The following is an entry in ClinVar:

NM_004380.3(CREBBP):c.5293dup (p.Gln1765fs)

Gene: CREBBP (CREB binding lysine acetyltransferase; minus strand). Cytogenetic location: 16p13.3.
Variant type: Duplication.
Coding change: c.5293dup on transcript NM_004380.3 (MANE Select); coding-DNA position 5293, one base duplicated (C; older notation c.5293dupC).
Protein change: p.Gln1765fs; shifts the reading frame from glutamine 1765.
Molecular consequence: frameshift variant.
Genome position (GRCh38, 1-based): chr16:3,729,754, G duplicated on the plus strand (C on the coding strand, the reverse complement: CREBBP is on the minus strand); the first of 5 consecutive G bases (chr16:3,729,754-3,729,758); duplicating any one gives the same sequence. VCF-style (leftmost placement, unchanged base first): chr16-3729753-T-TG. GRCh37 (hg19) VCF-style: chr16-3779754-T-TG.
Other names: c.5179dup, p.Gln1727fs (NM_001079846.1); short protein forms Q1727fs, Q1765fs.
Identifiers: ClinVar variation 4530115 (VCV004530115.1).

ClinVar aggregate classification (somatic clinical impact): Tier II - Potential (1 of 4 stars; one submission).

Conditions:
Embryonal tumor with multilayered rosettes. Identifiers: Orphanet 656417, MedGen C5575350, MONDO:0958119.

Submission:

Institute for Genomic Medicine (IGM) Clinical Laboratory, Nationwide Children's Hospital
Classification: Tier II - Potential for Embryonal tumor with multilayered rosettes. Assertion type: diagnostic. Clinical significance: supports diagnosis. Last evaluated: 2024-12-13. Review status: criteria provided, single submitter. Criteria: AMP/ASCO/CAP Guidelines, 2017. Collection method: clinical testing. Allele origin: somatic. Affected: yes.
Comment: Variant has Tier II (potential) clinical significance as a diagnostic inclusion criterion in embryonal tumor with multilayered rosettes, based on the following evidence: 1) Documented in one or more cancer databases (e.g., St. Jude Pecan, COSMIC, CIViC, OncoKB). 2) Assists in diagnosis alone or along with other biomarkers based on small studies or few case reports (Evidence Level D).